The following is an entry in ClinVar:

ClinVar aggregate classification (germline): Uncertain significance (1 of 4 stars; one submission).

Allele frequency attached by ClinVar (database versions not stated): ExAC 0.00003; TOPMed 0.00003; gnomAD 0.00005; gnomAD exomes 0.00007.
gnomAD v4.1: 113 of 1,613,532 alleles (0.007%); highest among the groups gnomAD compares: East Asian, 0.018%; no homozygotes.

Submission:

Labcorp Genetics (formerly Invitae), Labcorp
Classification: Uncertain significance. Last evaluated: 2025-06-20. Review status: criteria provided, single submitter. Criteria: Invitae Variant Classification Sherloc (09022015). Collection method: clinical testing. Allele origin: germline.
Comment: This sequence change replaces arginine, which is basic and polar, with tryptophan, which is neutral and slightly polar, at codon 481 of the WDR62 protein (p.Arg481Trp). This variant is present in population databases (rs758830395, gnomAD 0.04%). This variant has not been reported in the literature in individuals affected with WDR62-related conditions. ClinVar contains an entry for this variant (Variation ID: 2416646). Invitae Evidence Modeling of protein sequence and biophysical properties (such as structural, functional, and spatial information, amino acid conservation, physicochemical variation, residue mobility, and thermodynamic stability) indicates that this missense variant is not expected to disrupt WDR62 protein function with a negative predictive value of 80%. In summary, the available evidence is currently insufficient to determine the role of this variant in disease. Therefore, it has been classified as a Variant of Uncertain Significance.

NM_001083961.2(WDR62):c.1441C>T (p.Arg481Trp)

Gene: WDR62 (WD repeat domain 62; plus strand). Cytogenetic location: 19q13.12.
Variant type: single nucleotide variant.
Coding change: c.1441C>T on transcript NM_001083961.2 (MANE Select); coding-DNA position 1441, C replaced by T.
Protein change: p.Arg481Trp; replaces arginine 481 with tryptophan.
Molecular consequence: missense variant.
Genome position (GRCh38, 1-based): chr19:36,083,132, C>T. VCF-style: chr19-36083132-C-T. GRCh37 (hg19) VCF-style: chr19-36574034-C-T.
Other names: c.1426C>T, p.Arg476Trp (NM_001411145.1); c.1441C>T, p.Arg481Trp (NM_001411146.1, NM_173636.5); c.1090C>T, p.Arg364Trp (NM_001411147.1); short protein forms R364W, R476W, R481W.
Identifiers: ClinVar variation 2416646 (VCV002416646.4), dbSNP rs758830395, ClinGen allele CA9395608.